The following is an entry in ClinVar:

ClinVar aggregate classification (germline): Benign (1 of 4 stars; one submission).

Allele frequency attached by ClinVar (database versions not stated): gnomAD 0.06527 and 0.07041; 1000 Genomes Project 0.07089; 1000 Genomes Project 30x 0.07261; TOPMed 0.07392.
gnomAD v4.1: 9,818 of 151,858 alleles (6.5%); highest among the groups gnomAD compares: African/African-American, 22%; 1,047 homozygotes.

Submission:

GeneDx
Classification: Benign. Last evaluated: 2018-06-14. Review status: criteria provided, single submitter. Criteria: GeneDx Variant Classification (06012015). Collection method: clinical testing. Allele origin: germline. Affected: yes.
Comment: This variant is considered likely benign or benign based on one or more of the following criteria: it is a conservative change, it occurs at a poorly conserved position in the protein, it is predicted to be benign by multiple in silico algorithms, and/or has population frequency not consistent with disease.

NM_006073.4(TRDN):c.1672+221C>A

Gene: TRDN (triadin; minus strand). Cytogenetic location: 6q22.31.
Variant type: single nucleotide variant.
Coding change: c.1672+221C>A on transcript NM_006073.4 (MANE Select); 221 bases into the intron after coding-DNA position 1672, C replaced by A.
Molecular consequence: intron variant.
Genome position (GRCh38, 1-based): chr6:123,272,743, G>T on the plus strand (C>A on the coding strand, the complement: TRDN is on the minus strand). VCF-style: chr6-123272743-G-T. GRCh37 (hg19) VCF-style: chr6-123593888-G-T.
Identifiers: ClinVar variation 679051 (VCV000679051.1), dbSNP rs60681476, ClinGen allele CA147231558.